The following is an entry in ClinVar:

NM_000702.4(ATP1A2):c.2285-3C>T

Gene: ATP1A2 (ATPase Na+/K+ transporting subunit alpha 2; plus strand). Cytogenetic location: 1q23.2.
Variant type: single nucleotide variant.
Coding change: c.2285-3C>T on transcript NM_000702.4 (MANE Select); 3 bases into the intron before coding-DNA position 2285, C replaced by T.
Molecular consequence: intron variant.
Genome position (GRCh38, 1-based): chr1:160,135,836, C>T. VCF-style: chr1-160135836-C-T. GRCh37 (hg19) VCF-style: chr1-160105626-C-T.
Identifiers: ClinVar variation 1463968 (VCV001463968.6), dbSNP rs1372396453, ClinGen allele CA526593447.

ClinVar aggregate classification (germline): Uncertain significance (1 of 4 stars; one submission).

Conditions:
Familial hemiplegic migraine. Identifiers: MedGen C0338484, MONDO:0000700.

Allele frequency attached by ClinVar (database versions not stated): gnomAD exomes below 0.00001 and 0.00001.

Submission:

Labcorp Genetics (formerly Invitae), Labcorp
Classification: Uncertain significance for Familial hemiplegic migraine. Last evaluated: 2022-02-21. Review status: criteria provided, single submitter. Criteria: Invitae Variant Classification Sherloc (09022015). Collection method: clinical testing. Allele origin: germline.
Comment: In summary, the available evidence is currently insufficient to determine the role of this variant in disease. Therefore, it has been classified as a Variant of Uncertain Significance. Variants that disrupt the consensus splice site are a relatively common cause of aberrant splicing (PMID: 17576681, 9536098). Algorithms developed to predict the effect of sequence changes on RNA splicing suggest that this variant is not likely to affect RNA splicing. This variant has been observed in individual(s) with clinical features of ATP1A2-related conditions (Invitae). This variant is present in population databases (no rsID available, gnomAD 0.006%). This sequence change falls in intron 16 of the ATP1A2 gene. It does not directly change the encoded amino acid sequence of the ATP1A2 protein. It affects a nucleotide within the consensus splice site.

Literature cited by the submitters: PubMed 17576681; PubMed 9536098.